The following is an entry in ClinVar:

NM_138691.3(TMC1):c.627C>T (p.Leu209=)

Gene: TMC1 (transmembrane channel like 1; plus strand). Cytogenetic location: 9q21.13.
Variant type: single nucleotide variant.
Coding change: c.627C>T on transcript NM_138691.3 (MANE Select); coding-DNA position 627, C replaced by T.
Protein change: p.Leu209=; no amino-acid change (leucine 209 retained).
Molecular consequence: synonymous variant.
Genome position (GRCh38, 1-based): chr9:72,751,941, C>T. VCF-style: chr9-72751941-C-T. GRCh37 (hg19) VCF-style: chr9-75366857-C-T.
Identifiers: ClinVar variation 1219297 (VCV001219297.8), dbSNP rs748580616, ClinGen allele CA5081732.
Genomic context (GRCh38, chr9:72,751,941, plus strand): 5'-CCTCTTCTTGAGATGGATGTATGGAGTCAATATGGTTCTCTTTATCCTGACATTTAGCCT[C>T]ATCATGTTGCCAGAGGTGAGATCTGACTTCCAGTTTACAAAACATGCTGAAAAATGTTTC-3'
Protein context (NP_619636.2, residues 199-219): NMVLFILTFS[Leu209=]IMLPEYLWGL

ClinVar aggregate classification (germline): Conflicting classifications of pathogenicity. Review status: criteria provided, conflicting classifications (1 of 4 stars). 4 submissions from 4 submitters: Pathogenic (1); Likely pathogenic (1); Uncertain significance (1); Likely benign (1). Last evaluated 2025-08-20.

Conditions:
Autosomal recessive nonsyndromic hearing loss 7. Also called: DEAFNESS, AUTOSOMAL RECESSIVE 11. Identifiers: Orphanet 90636, MedGen C1832978, MONDO:0010967, OMIM 600974.

Allele frequency attached by ClinVar (database versions not stated): gnomAD exomes 0.00001 and 0.00003; TOPMed 0.00001; ExAC 0.00002.
gnomAD v4.1: 19 of 1,608,780 alleles (0.0012%); highest among the groups gnomAD compares: East Asian, 0.0067%; no homozygotes.

Submissions (4):

ENT and Head and Neck Research Center and Department,  The Five Senses Health Institute, Iran University of Medical Sciences
Classification: Pathogenic for Autosomal recessive nonsyndromic hearing loss 7. Last evaluated: 2025-08-20. Review status: criteria provided, single submitter. Criteria: ClinGen HL ACMG Specifications v1. Collection method: clinical testing. Allele origin: germline. Affected: yes.
Comment: PM2: Extremely low frequency in gnomAD population databases, PS3: Validated functional studies show a deleterious effect, PM7: very rare splice-altering TMC1 variant was identified in the homozygous state in other patients, from different families, presenting with ARNSHL linked to the DFNB7/ 11 locus, PP1: Segregation in one affected relative for recessive, PP3: in silico analyses show that this transversion was a candidate splice-disrupting variant, PP5: A Reputable source recently reports variant as pathogenic (34857896), PP6:

Labcorp Genetics (formerly Invitae), Labcorp
Classification: Uncertain significance. Last evaluated: 2022-03-18. Review status: criteria provided, single submitter. Criteria: Invitae Variant Classification Sherloc (09022015). Collection method: clinical testing. Allele origin: germline.
Comment: This sequence change affects codon 209 of the TMC1 mRNA. It is a 'silent' change, meaning that it does not change the encoded amino acid sequence of the TMC1 protein. This variant is present in population databases (rs748580616, gnomAD 0.006%). This variant has not been reported in the literature in individuals affected with TMC1-related conditions. ClinVar contains an entry for this variant (Variation ID: 1219297). Algorithms developed to predict the effect of sequence changes on RNA splicing suggest that this variant may disrupt the consensus splice site. In summary, the available evidence is currently insufficient to determine the role of this variant in disease. Therefore, it has been classified as a Variant of Uncertain Significance.

GeneDx
Classification: Likely benign. Last evaluated: 2020-01-24. Review status: criteria provided, single submitter. Criteria: GeneDx Variant Classification Process June 2021. Collection method: clinical testing. Allele origin: germline. Affected: yes.

Juno Genomics, Hangzhou Juno Genomics, Inc
Classification: Likely pathogenic for Autosomal recessive nonsyndromic hearing loss 7. Review status: criteria provided, single submitter. Criteria: ACMG Guidelines, 2015. Collection method: clinical testing. Allele origin: germline.
Comment: Absent from controls (or at extremely low frequency if recessive) in Genome Aggregation Database.;Multiple lines of computational evidence support a deleterious effect on the gene or gene product.;For recessive disorders, detected in trans with a pathogenic variant.;Co-segregation with disease in multiple affected family members.;Patient's phenotype or family history is highly specific for a disease with a single genetic etiology.

Literature cited by the submitters: PubMed 41231290 (cited by ENT and Head and Neck Research Center and Department,  The Five Senses Health Institute, Iran University of Medical Sciences).